The following is an entry in ClinVar:

NM_001128178.3(NPHP1):c.1936C>T (p.Leu646Phe)

Gene: NPHP1 (nephrocystin 1; minus strand). Cytogenetic location: 2q13.
Variant type: single nucleotide variant.
Coding change: c.1936C>T on transcript NM_001128178.3 (MANE Select); coding-DNA position 1936, C replaced by T.
Protein change: p.Leu646Phe; replaces leucine 646 with phenylalanine.
Molecular consequence: missense variant. On other transcripts: 3 prime UTR variant (1).
Genome position (GRCh38, 1-based): chr2:110,123,889, G>A on the plus strand (C>T on the coding strand, the complement: NPHP1 is on the minus strand). VCF-style: chr2-110123889-G-A. GRCh37 (hg19) VCF-style: chr2-110881466-G-A.
Other names: c.2104C>T (NM_000272.4); c.2104C>T, p.Leu702Phe (NM_000272.5); c.1747C>T, p.Leu583Phe (NM_001128179.3); c.1933C>T, p.Leu645Phe (NM_001374256.1); c.*178C>T (NM_001374257.1); c.2101C>T, p.Leu701Phe (NM_207181.4); short protein forms L583F, L645F, L646F, L701F, L702F.
Identifiers: ClinVar variation 1990537 (VCV001990537.2), dbSNP rs748152745, ClinGen allele CA1826842.

ClinVar aggregate classification (germline): Uncertain significance. Review status: criteria provided, multiple submitters, no conflicts (2 of 4 stars). 2 submissions from 2 submitters: Uncertain significance (2). Last evaluated 2024-06-15.

Conditions:
Nephronophthisis. Also called: Juvenile Nephronophthisis. Identifiers: Orphanet 655, MedGen C0687120, MONDO:0019005, HP:0000090.
Joubert syndrome with renal defect. Also called: JOUBERT SYNDROME 4. Identifiers: Orphanet 220497, MedGen C1846790, MONDO:0012308, OMIM 609583.
Senior-Loken syndrome 1 (SLSN1). Also called: JUVENILE NEPHRONOPHTHISIS WITH LEBER AMAUROSIS. Identifiers: Orphanet 3156, MedGen C4551559, MONDO:0009962, OMIM 266900.
Nephronophthisis 1 (NPHP1). Also called: Nephronophthisis familial juvenile. Identifiers: Orphanet 655, Orphanet 93592, MedGen C1855681, MONDO:0009728, OMIM 256100.

Allele frequency attached by ClinVar (database versions not stated): gnomAD 0.00001; gnomAD exomes 0.00001; TOPMed 0.00001; ExAC 0.00004.
gnomAD v4.1: 17 of 1,613,962 alleles (0.0011%); highest among the groups gnomAD compares: Non-Finnish European, 0.0014%; no homozygotes.

Submissions (2):

Fulgent Genetics
Classification: Uncertain significance for Nephronophthisis 1; Senior-Loken syndrome 1; Joubert syndrome with renal defect. Last evaluated: 2024-06-15. Review status: criteria provided, single submitter. Criteria: ACMG Guidelines, 2015. Collection method: clinical testing. Allele origin: germline.

Labcorp Genetics (formerly Invitae), Labcorp
Classification: Uncertain significance for Nephronophthisis. Last evaluated: 2022-10-04. Review status: criteria provided, single submitter. Criteria: Invitae Variant Classification Sherloc (09022015). Collection method: clinical testing. Allele origin: germline.
Comment: This sequence change replaces leucine, which is neutral and non-polar, with phenylalanine, which is neutral and non-polar, at codon 702 of the NPHP1 protein (p.Leu702Phe). This variant is present in population databases (rs748152745, gnomAD 0.004%). This variant has not been reported in the literature in individuals affected with NPHP1-related conditions. Advanced modeling of protein sequence and biophysical properties (such as structural, functional, and spatial information, amino acid conservation, physicochemical variation, residue mobility, and thermodynamic stability) performed at Invitae indicates that this missense variant is not expected to disrupt NPHP1 protein function. In summary, the available evidence is currently insufficient to determine the role of this variant in disease. Therefore, it has been classified as a Variant of Uncertain Significance.